The following is an entry in ClinVar:

ClinVar aggregate classification (germline): Uncertain significance (1 of 4 stars; one submission).

Conditions:
Maple syrup urine disease, mild variant (MSUDMV). Identifiers: Orphanet 511, MedGen C3554575, MONDO:0014057, OMIM 615135.

Submission:

Labcorp Genetics (formerly Invitae), Labcorp
Classification: Uncertain significance for Maple syrup urine disease, mild variant. Last evaluated: 2021-10-10. Review status: criteria provided, single submitter. Criteria: Invitae Variant Classification Sherloc (09022015). Collection method: clinical testing. Allele origin: germline.
Comment: This sequence change replaces serine with arginine at codon 40 of the PPM1K protein (p.Ser40Arg). The serine residue is weakly conserved and there is a moderate physicochemical difference between serine and arginine. This variant is not present in population databases (ExAC no frequency). In summary, the available evidence is currently insufficient to determine the role of this variant in disease. Therefore, it has been classified as a Variant of Uncertain Significance. Algorithms developed to predict the effect of missense changes on protein structure and function (SIFT, PolyPhen-2, Align-GVGD) all suggest that this variant is likely to be tolerated. This variant has not been reported in the literature in individuals affected with PPM1K-related conditions.

NM_152542.5(PPM1K):c.118A>C (p.Ser40Arg)

Gene: PPM1K (protein phosphatase, Mg2+/Mn2+ dependent 1K; minus strand). Cytogenetic location: 4q22.1.
Variant type: single nucleotide variant.
Coding change: c.118A>C on transcript NM_152542.5 (MANE Select); coding-DNA position 118, A replaced by C.
Protein change: p.Ser40Arg; replaces serine 40 with arginine.
Molecular consequence: missense variant.
Genome position (GRCh38, 1-based): chr4:88,278,466, T>G on the plus strand (A>C on the coding strand, the complement: PPM1K is on the minus strand). VCF-style: chr4-88278466-T-G. GRCh37 (hg19) VCF-style: chr4-89199618-T-G.
Other names: short protein forms S40R.
Identifiers: ClinVar variation 1524153 (VCV001524153.6), dbSNP rs2110171811, ClinGen allele CA357708325.